The following is an entry in ClinVar:

ClinVar aggregate classification (germline): Uncertain significance. Review status: criteria provided, single submitter (1 of 4 stars). 2 submissions from 2 submitters: Uncertain significance (1). 1 of the submissions does not count toward it. Last evaluated 2019-11-26.

Conditions:
Spastic paraplegia 93, autosomal recessive. Identifiers: MedGen C5975375, MONDO:0975796, OMIM 620938.

Submissions (2):

GeneDx
Classification: Uncertain significance. Last evaluated: 2019-11-26. Review status: criteria provided, single submitter. Criteria: GeneDx Variant Classification Process June 2021. Collection method: clinical testing. Allele origin: germline. Affected: yes.
Comment: Not observed in large population cohorts (Lek et al., 2016); In silico analysis, which includes protein predictors and evolutionary conservation, supports a deleterious effect

OMIM
Classification: Pathogenic for SPASTIC PARAPLEGIA 93, AUTOSOMAL RECESSIVE. Last evaluated: 2024-09-09. Review status: no assertion criteria provided. Collection method: literature only. Allele origin: germline. Not counted in ClinVar's aggregate classification.

Literature cited by the submitters: PubMed 36256512 (cited by OMIM).

NM_001002755.4(NFU1):c.548C>G (p.Pro183Arg)

Gene: NFU1 (NFU1 iron-sulfur cluster scaffold; minus strand). Cytogenetic location: 2p13.3.
Variant type: single nucleotide variant.
Coding change: c.548C>G on transcript NM_001002755.4 (MANE Select); coding-DNA position 548, C replaced by G.
Protein change: p.Pro183Arg; replaces proline 183 with arginine.
Molecular consequence: missense variant. On other transcripts: non-coding transcript variant (1).
Genome position (GRCh38, 1-based): chr2:69,400,536, G>C on the plus strand (C>G on the coding strand, the complement: NFU1 is on the minus strand). VCF-style: chr2-69400536-G-C. GRCh37 (hg19) VCF-style: chr2-69627668-G-C.
Other names: c.125C>G, p.Pro42Arg (NM_001002756.2); c.476C>G, p.Pro159Arg (NM_001374284.1, NM_015700.4); short protein forms P159R, P183R, P42R.
Identifiers: ClinVar variation 1207048 (VCV001207048.4), dbSNP rs1156891721, ClinGen allele CA347123581.